The following is an entry in ClinVar:

ClinVar aggregate classification (germline): Pathogenic (1 of 4 stars; one submission).

Conditions:
Pyridoxine-dependent epilepsy (EPEO4). Also called: Pyridoxine-Dependent Seizures; Pyridoxine-Dependent Epilepsy - ALDH7A1; PYRIDOXINE DEPENDENCY WITH SEIZURES; EPILEPSY, EARLY-ONSET, 4, VITAMIN B6-DEPENDENT. Identifiers: Orphanet 3006, MedGen C1849508, MONDO:0009945, OMIM 266100. Disease mechanism: loss of function.

Allele frequency attached by ClinVar (database versions not stated): gnomAD exomes below 0.00001; TOPMed below 0.00001.
gnomAD v4.1: 3 of 1,613,820 alleles (0.00019%); highest among the groups gnomAD compares: East Asian, 0.0022%; no homozygotes.

Submission:

Labcorp Genetics (formerly Invitae), Labcorp
Classification: Pathogenic for Pyridoxine-dependent epilepsy. Last evaluated: 2022-05-19. Review status: criteria provided, single submitter. Criteria: Invitae Variant Classification Sherloc (09022015). Collection method: clinical testing. Allele origin: germline.
Comment: This sequence change replaces glycine, which is neutral and non-polar, with arginine, which is basic and polar, at codon 406 of the ALDH7A1 protein (p.Gly406Arg). This variant is present in population databases (no rsID available, gnomAD 0.003%). This missense change has been observed in individual(s) with pyridoxine-dependent epilepsy (PMID: 17433748, 25123644). This variant is also known as G378R. Advanced modeling of protein sequence and biophysical properties (such as structural, functional, and spatial information, amino acid conservation, physicochemical variation, residue mobility, and thermodynamic stability) performed at Invitae indicates that this missense variant is expected to disrupt ALDH7A1 protein function. For these reasons, this variant has been classified as Pathogenic.

Literature cited by the submitters: PubMed 17433748; PubMed 25123644.

NM_001182.5(ALDH7A1):c.1216G>A (p.Gly406Arg)

Gene: ALDH7A1 (aldehyde dehydrogenase 7 family member A1; minus strand). Cytogenetic location: 5q23.2.
Variant type: single nucleotide variant.
Coding change: c.1216G>A on transcript NM_001182.5 (MANE Select); coding-DNA position 1216, G replaced by A.
Protein change: p.Gly406Arg; replaces glycine 406 with arginine.
Molecular consequence: missense variant.
Genome position (GRCh38, 1-based): chr5:126,552,122, C>T on the plus strand (G>A on the coding strand, the complement: ALDH7A1 is on the minus strand). VCF-style: chr5-126552122-C-T. GRCh37 (hg19) VCF-style: chr5-125887814-C-T.
Other names: c.1132G>A, p.Gly378Arg (NM_001201377.2); c.1024G>A, p.Gly342Arg (NM_001202404.2); short protein forms G342R, G378R, G406R.
Identifiers: ClinVar variation 2136323 (VCV002136323.4), dbSNP rs1266251678, ClinGen allele CA360723355.